The following is an entry in ClinVar:

NM_003079.5(SMARCE1):c.545A>G (p.Tyr182Cys)

Gene: SMARCE1 (SWI/SNF related BAF chromatin remodeling complex subunit E1; minus strand). Cytogenetic location: 17q21.2.
Variant type: single nucleotide variant.
Coding change: c.545A>G on transcript NM_003079.5 (MANE Select); coding-DNA position 545, A replaced by G.
Protein change: p.Tyr182Cys; replaces tyrosine 182 with cysteine.
Molecular consequence: missense variant.
Genome position (GRCh38, 1-based): chr17:40,632,364, T>C on the plus strand (A>G on the coding strand, the complement: SMARCE1 is on the minus strand). VCF-style: chr17-40632364-T-C. GRCh37 (hg19) VCF-style: chr17-38788616-T-C.
Other names: short protein forms Y182C.
Identifiers: ClinVar variation 4056094 (VCV004056094.2).
Genomic context (GRCh38, chr17:40,632,364, plus strand): 5'-AGGCGGTGGTTTCTCTGGAAACGGGCGGTGGCTGTATGCTTCATTGAAAAGCCATCATCA[T>C]AATCTGGAGTGAACAAATTGTTCTGGAAATCAGGTCACCAGTAACCATAAAAAGGAGTGT-3'
Protein context (NP_003070.3, residues 172-192): SIQPAEDPDD[Tyr182Cys]DDGFSMKHTA

ClinVar aggregate classification (germline): Uncertain significance (1 of 4 stars; one submission).

Conditions:
Coffin-Siris syndrome 5 (CSS5). Identifiers: Orphanet 1465, MedGen C4310788, MONDO:0014838, OMIM 616938.

Submission:

St. Jude Molecular Pathology, St. Jude Children's Research Hospital
Classification: Uncertain significance for Coffin-Siris syndrome 5. Last evaluated: 2025-06-17. Review status: criteria provided, single submitter. Criteria: St. Jude Assertion Criteria 2020. Collection method: clinical testing. Allele origin: germline.
Comment: The SMARCE1 c.545A>G p.(Tyr182Cys) missense change is absent in gnomAD v2.1.1. The in silico tool REVEL predicts a benign effect on protein function, but to our knowledge this prediction has not been confirmed by functional studies. To our knowledge, this variant has not been reported in the literature in individuals with SMARCE1-related disease. In summary, the evidence currently available is insufficient to determine the clinical significance of this variant. It has therefore been classified as of uncertain significance.